The following is an entry in ClinVar:

NM_199355.4(ADAMTS18):c.1574T>A (p.Phe525Tyr)

Gene: ADAMTS18 (ADAM metallopeptidase with thrombospondin type 1 motif 18; minus strand). Cytogenetic location: 16q23.1.
Variant type: single nucleotide variant.
Coding change: c.1574T>A on transcript NM_199355.4 (MANE Select); coding-DNA position 1574, T replaced by A.
Protein change: p.Phe525Tyr; replaces phenylalanine 525 with tyrosine.
Molecular consequence: missense variant.
Genome position (GRCh38, 1-based): chr16:77,353,773, A>T on the plus strand (T>A on the coding strand, the complement: ADAMTS18 is on the minus strand). VCF-style: chr16-77353773-A-T. GRCh37 (hg19) VCF-style: chr16-77387670-A-T.
Other names: c.1058T>A, p.Phe353Tyr (NM_001326358.2); c.1574T>A (NM_199355.2); short protein forms F525Y, F353Y.
Identifiers: ClinVar variation 934196 (VCV000934196.8), dbSNP rs1327305467, ClinGen allele CA396834427.
Genomic context (GRCh38, chr16:77,353,773, plus strand): 5'-GAAATCACAAGCAAACATACCTTCACAAAACCAAGGCTGCATAACTTGGCTTTTGCTCCA[A>T]ATTGCCATTTACACTGTGTGTCAGCATCATAAATCTGTCCTGGTAGTTTGTCCGGATATT-3'
Protein context (NP_955387.1, residues 515-535): YDADTQCKWQ[Phe525Tyr]GAKAKLCSLG

ClinVar aggregate classification (germline): Uncertain significance. Review status: criteria provided, multiple submitters, no conflicts (2 of 4 stars). 2 submissions from 2 submitters: Uncertain significance (2). Last evaluated 2025-06-07.

Conditions:
Inborn genetic diseases. Identifiers: MedGen C0950123, MeSH D030342.

Allele frequency attached by ClinVar (database versions not stated): gnomAD 0.00001; gnomAD exomes 0.00001.
gnomAD v4.1: 18 of 1,613,984 alleles (0.0011%); highest among the groups gnomAD compares: Non-Finnish European, 0.0015%; no homozygotes.

Submissions (2):

Ambry Genetics
Classification: Uncertain significance for Inborn genetic diseases. Last evaluated: 2025-06-07. Review status: criteria provided, single submitter. Criteria: Ambry Variant Classification Scheme 2023. Collection method: clinical testing. Allele origin: germline.

Labcorp Genetics (formerly Invitae), Labcorp
Classification: Uncertain significance. Last evaluated: 2023-06-13. Review status: criteria provided, single submitter. Criteria: Invitae Variant Classification Sherloc (09022015). Collection method: clinical testing. Allele origin: germline.
Comment: In summary, the available evidence is currently insufficient to determine the role of this variant in disease. Therefore, it has been classified as a Variant of Uncertain Significance. An algorithm developed to predict the effect of missense changes on protein structure and function (PolyPhen-2) suggests that this variant is likely to be tolerated. ClinVar contains an entry for this variant (Variation ID: 934196). This variant has not been reported in the literature in individuals affected with ADAMTS18-related conditions. This variant is present in population databases (no rsID available, gnomAD 0.007%). This sequence change replaces phenylalanine, which is neutral and non-polar, with tyrosine, which is neutral and polar, at codon 525 of the ADAMTS18 protein (p.Phe525Tyr).